The following is an entry in ClinVar:

NM_000113.3(TOR1A):c.*416T>G

Gene: TOR1A (torsin family 1 member A; minus strand). Cytogenetic location: 9q34.11.
Variant type: single nucleotide variant.
Coding change: c.*416T>G on transcript NM_000113.3 (MANE Select); 416 bases downstream of the stop codon, T replaced by G.
Molecular consequence: 3 prime UTR variant.
Genome position (GRCh38, 1-based): chr9:129,813,556, A>C on the plus strand (T>G on the coding strand, the complement: TOR1A is on the minus strand). VCF-style: chr9-129813556-A-C. GRCh37 (hg19) VCF-style: chr9-132575835-A-C.
Identifiers: ClinVar variation 365223 (VCV000365223.6), dbSNP rs186581792, ClinGen allele CA10626570.

ClinVar aggregate classification (germline): Benign. Review status: criteria provided, multiple submitters, no conflicts (2 of 4 stars). 2 submissions from 2 submitters: Benign (2). Last evaluated 2018-01-12.

Conditions:
Early-onset generalized limb-onset dystonia. Also called: DYSTONIA MUSCULORUM DEFORMANS 1; Oppenheim's dystonia; Early onset torsion dystonia; DYT-TOR1A; Dystonia-1, torsion; Dystonia 1, modifier of. Identifiers: Orphanet 256, MedGen C1851945, MONDO:0007492, OMIM 128100.

Allele frequency attached by ClinVar (database versions not stated): TOPMed 0.01482; gnomAD exomes 0.01583; gnomAD 0.01627 and 0.01659.
gnomAD v4.1: 4,823 of 300,488 alleles (1.6%); highest among the groups gnomAD compares: Non-Finnish European, 2%; 52 homozygotes.

Submissions (2):

Illumina Laboratory Services, Illumina
Classification: Benign for Early-onset generalized limb-onset dystonia. Last evaluated: 2018-01-12. Review status: criteria provided, single submitter. Criteria: ICSL Variant Classification Criteria 13 December 2019. Collection method: clinical testing. Allele origin: germline.
Comment: This variant was observed in the ICSL laboratory as part of a predisposition screen in an ostensibly healthy population. It had not been previously curated by ICSL or reported in the Human Gene Mutation Database (HGMD: prior to June 1st, 2018), and was therefore a candidate for classification through an automated scoring system. Utilizing variant allele frequency, disease prevalence and penetrance estimates, and inheritance mode, an automated score was calculated to assess if this variant is too frequent to cause the disease. Based on the score and internal cut-off values, a variant classified as benign is not then subjected to further curation. The score for this variant resulted in a classification of benign for this disease.

Breakthrough Genomics
Classification: Benign. Review status: criteria provided, single submitter. Criteria: ACMG Guidelines, 2015. Collection method: not provided. Allele origin: germline. Inheritance: Autosomal recessive inheritance. Affected: yes.